The following is an entry in ClinVar:

NM_000138.5(FBN1):c.4943-3T>G

Gene: FBN1 (fibrillin 1; minus strand). Cytogenetic location: 15q21.1.
Variant type: single nucleotide variant.
Coding change: c.4943-3T>G on transcript NM_000138.5 (MANE Select); 3 bases into the intron before coding-DNA position 4943, T replaced by G.
Molecular consequence: intron variant.
Genome position (GRCh38, 1-based): chr15:48,464,024, A>C on the plus strand (T>G on the coding strand, the complement: FBN1 is on the minus strand). VCF-style: chr15-48464024-A-C. GRCh37 (hg19) VCF-style: chr15-48756221-A-C.
Other names: c.4943-3T>G (NM_001406716.1).
Identifiers: ClinVar variation 4077162 (VCV004077162.1).

ClinVar aggregate classification (germline): Uncertain significance (1 of 4 stars; one submission).

Conditions:
Marfan syndrome (MFS). Also called: MARFAN SYNDROME, TYPE I; Marfan syndrome type 1; Marfan's syndrome; FBN1-Related Marfan Syndrome; Marfan syndrome, classic. Identifiers: Orphanet 284963, Orphanet 558, MedGen C0024796, MONDO:0007947, OMIM 154700.

Submission:

Centro de Genética y Biología Molecular, Universidad de San Martín de Porres
Classification: Uncertain significance for Marfan syndrome. Last evaluated: 2025-01-20. Review status: criteria provided, single submitter. Criteria: ACMG Guidelines, 2015. Collection method: research. Allele origin: germline. Inheritance: Autosomal dominant inheritance. Affected: yes. Observed: 1 heterozygote.
Comment: Sequence change falls in intron 40 of the FBN1 gene, affecting a nucleotide within the consensus splice site. ClinVar contains at least one entry for this variant when 4943-3T>C (rs367594261). No functional studies exist for it, therefore it is classified as a Variant of Uncertain Significance. It is important to point out that we are reporting a 4943-3T>G change.(less)